The following is an entry in ClinVar:

NM_002691.4(POLD1):c.332T>G (p.Val111Gly)

Gene: POLD1 (DNA polymerase delta 1, catalytic subunit; plus strand). Cytogenetic location: 19q13.33.
Variant type: single nucleotide variant.
Coding change: c.332T>G on transcript NM_002691.4 (MANE Select); coding-DNA position 332, T replaced by G.
Protein change: p.Val111Gly; replaces valine 111 with glycine.
Molecular consequence: missense variant. On other transcripts: non-coding transcript variant (1).
Genome position (GRCh38, 1-based): chr19:50,401,793, T>G. VCF-style: chr19-50401793-T-G. GRCh37 (hg19) VCF-style: chr19-50905050-T-G.
Other names: c.332T>G, p.Val111Gly (NM_001256849.1, NM_001308632.1); short protein forms V111G.
Identifiers: ClinVar variation 1692711 (VCV001692711.1), dbSNP rs1060501800, ClinGen allele CA406972115.

ClinVar aggregate classification (germline): Uncertain significance (1 of 4 stars; one submission).

Conditions:
Hereditary cancer-predisposing syndrome. Also called: Hereditary Cancer Syndrome; Hereditary neoplastic syndrome; Neoplastic Syndromes, Hereditary; Tumor predisposition. Identifiers: Orphanet 140162, MedGen C0027672, MeSH D009386, MONDO:0015356.

Submission:

Sema4
Classification: Uncertain significance for Hereditary cancer-predisposing syndrome. Last evaluated: 2021-05-18. Review status: criteria provided, single submitter. Criteria: Sema4 Curation Guidelines. Collection method: curation. Allele origin: germline.
Comment: The POLD1 c.332T>G (p.V111G) variant has not been reported in the literature to our knowledge. This variant has not been observed in the large and broad cohorts in the Genome Aggregation Database (PMID: 32461654). This variant has not been reported in ClinVar. In silico tools suggest the impact of the variant on protein function is inconclusive, though these predictions have not been confirmed by functional studies. The overall evidence is insufficient to meet ACMG/AMP criteria for classifying it as benign or pathogenic. In summary, the clinical significance of this variant is currently uncertain.